The following is an entry in ClinVar:

ClinVar aggregate classification (germline): Likely pathogenic (1 of 4 stars; one submission).

Conditions:
Duchenne muscular dystrophy (DMD). Also called: Duchenne Muscular Dystrophy (DMD); MUSCULAR DYSTROPHY, PSEUDOHYPERTROPHIC PROGRESSIVE, DUCHENNE TYPE. Identifiers: Orphanet 98896, MedGen C0013264, MONDO:0010679, OMIM 310200.

Submission:

Genomic Diagnostics Laboratory, National Institute of Medical Genomics
Classification: Likely pathogenic for Duchenne muscular dystrophy. Review status: criteria provided, single submitter. Criteria: ACMG Guidelines, 2015. Collection method: research. Allele origin: germline. Affected: yes.
Comment: Protein domain: Domain

NM_004006.3(DMD):c.5509A>T (p.Arg1837Ter)

Gene: DMD (dystrophin; minus strand). Cytogenetic location: Xp21.1.
Variant type: single nucleotide variant.
Coding change: c.5509A>T on transcript NM_004006.3 (MANE Select); coding-DNA position 5509, A replaced by T.
Protein change: p.Arg1837Ter; replaces arginine 1837 with a stop codon.
Molecular consequence: nonsense.
Genome position (GRCh38, 1-based): chrX:32,346,020, T>A on the plus strand (A>T on the coding strand, the complement: DMD is on the minus strand). VCF-style: chrX-32346020-T-A. GRCh37 (hg19) VCF-style: chrX-32364137-T-A.
Other names: c.5485A>T, p.Arg1829Ter (NM_000109.4); c.5497A>T, p.Arg1833Ter (NM_004009.3); c.5140A>T, p.Arg1714Ter (NM_004010.3); c.1486A>T, p.Arg496Ter (NM_004011.4); c.1477A>T, p.Arg493Ter (NM_004012.4); short protein forms R1714*, R1829*, R1833*, R1837*, R493*, R496*.
Identifiers: ClinVar variation 4879342 (VCV004879342.1).
Genomic context (GRCh38, chrX:32,346,020, plus strand): 5'-TTGTCTGTAACAGCTGCTGTTTTATCTTTATTTCCTCTCGCTTTCTCTCATCTGTGATTC[T>A]TTGTTGTAAGTTGTCTCCTCTTTGCAACAATTCTTTTACAGTACCCTCATTGTCTTCATT-3'